The following is an entry in ClinVar:

NM_000051.4(ATM):c.1608-9T>A

Gene: ATM (ATM serine/threonine kinase; plus strand). Cytogenetic location: 11q22.3.
Variant type: single nucleotide variant.
Coding change: c.1608-9T>A on transcript NM_000051.4 (MANE Select); 9 bases into the intron before coding-DNA position 1608, T replaced by A.
Molecular consequence: intron variant.
Genome position (GRCh38, 1-based): chr11:108,251,828, T>A. VCF-style: chr11-108251828-T-A. GRCh37 (hg19) VCF-style: chr11-108122555-T-A.
Other names: c.1608-9T>A (NM_001351834.2).
Identifiers: ClinVar variation 3623844 (VCV003623844.2).
Genomic context (GRCh38, chr11:108,251,828, plus strand): 5'-GTCCTGATAGATAAAGTCTTTGCCCCTCCAATAGCTTGCTTTTCACAATTGTCCTTTGTT[T>A]TGTTATAGTCCTGCAGTATGCTGTTTGACTTTGGCACTGACCACCAGTATAGTTCCAGGA-3'

ClinVar aggregate classification (germline): Uncertain significance (1 of 4 stars; one submission).

Conditions:
Ataxia-telangiectasia syndrome (AT). Also called: Ataxia-telangiectasia, complementation group D; AT, COMPLEMENTATION GROUP C; Ataxia-telangiectasia; Ataxia telangiectasia (A-T); Cerebello-oculocutaneous telangiectasia; Immunodeficiency with ataxia telangiectasia. Identifiers: Orphanet 100, MedGen C0004135, MONDO:0008840, OMIM 208900.

Submission:

Labcorp Genetics (formerly Invitae), Labcorp
Classification: Uncertain significance for Ataxia-telangiectasia syndrome. Last evaluated: 2024-03-12. Review status: criteria provided, single submitter. Criteria: Invitae Variant Classification Sherloc (09022015). Collection method: clinical testing. Allele origin: germline.
Comment: This sequence change falls in intron 10 of the ATM gene. It does not directly change the encoded amino acid sequence of the ATM protein. This variant is not present in population databases (gnomAD no frequency). This variant has not been reported in the literature in individuals affected with ATM-related conditions. Algorithms developed to predict the effect of sequence changes on RNA splicing suggest that this variant may disrupt the consensus splice site. In summary, the available evidence is currently insufficient to determine the role of this variant in disease. Therefore, it has been classified as a Variant of Uncertain Significance.